The following is an entry in ClinVar:

ClinVar aggregate classification (germline): Benign. Review status: criteria provided, multiple submitters, no conflicts (2 of 4 stars). 3 submissions from 3 submitters: Benign (3). Last evaluated 2021-05-12.

Conditions:
Hyperekplexia 2 (HKPX2). Identifiers: Orphanet 3197, MedGen C3553291, MONDO:0013828, OMIM 614619.

Allele frequency attached by ClinVar (database versions not stated): gnomAD exomes 0.05470; gnomAD 0.06374 and 0.06425; TOPMed 0.06386; 1000 Genomes Project 0.06849; 1000 Genomes Project 30x 0.06871.
gnomAD v4.1: 32,630 of 565,468 alleles (5.8%); highest among the groups gnomAD compares: South Asian, 10%; 1,250 homozygotes.

Submissions (3):

GeneDx
Classification: Benign. Last evaluated: 2021-05-12. Review status: criteria provided, single submitter. Criteria: GeneDx Variant Classification Process June 2021. Collection method: clinical testing. Allele origin: germline. Affected: yes.

Illumina Laboratory Services, Illumina
Classification: Benign for Hyperekplexia 2. Last evaluated: 2018-01-12. Review status: criteria provided, single submitter. Criteria: ICSL Variant Classification Criteria 13 December 2019. Collection method: clinical testing. Allele origin: germline.
Comment: This variant was observed in the ICSL laboratory as part of a predisposition screen in an ostensibly healthy population. It had not been previously curated by ICSL or reported in the Human Gene Mutation Database (HGMD: prior to June 1st, 2018), and was therefore a candidate for classification through an automated scoring system. Utilizing variant allele frequency, disease prevalence and penetrance estimates, and inheritance mode, an automated score was calculated to assess if this variant is too frequent to cause the disease. Based on the score and internal cut-off values, a variant classified as benign is not then subjected to further curation. The score for this variant resulted in a classification of benign for this disease.

Breakthrough Genomics
Classification: Benign. Review status: criteria provided, single submitter. Criteria: ACMG Guidelines, 2015. Collection method: not provided. Allele origin: germline. Inheritance: Autosomal recessive inheritance. Affected: yes.

NM_000824.5(GLRB):c.*160G>A

Gene: GLRB (glycine receptor beta; plus strand). Cytogenetic location: 4q32.1.
Variant type: single nucleotide variant.
Coding change: c.*160G>A on transcript NM_000824.5 (MANE Select); 160 bases downstream of the stop codon, G replaced by A.
Molecular consequence: 3 prime UTR variant.
Genome position (GRCh38, 1-based): chr4:157,170,888, G>A. VCF-style: chr4-157170888-G-A. GRCh37 (hg19) VCF-style: chr4-158092040-G-A.
Other names: c.*160G>A (NM_001166060.2); c.*449G>A (NM_001166061.2).
Identifiers: ClinVar variation 347932 (VCV000347932.9), dbSNP rs57601959, ClinGen allele CA10617314.